The following is an entry in ClinVar:

NM_005631.5(SMO):c.1640G>A (p.Arg547His)

Gene: SMO (smoothened, frizzled class receptor; plus strand). Cytogenetic location: 7q32.1.
Variant type: single nucleotide variant.
Coding change: c.1640G>A on transcript NM_005631.5 (MANE Select); coding-DNA position 1640, G replaced by A.
Protein change: p.Arg547His; replaces arginine 547 with histidine.
Molecular consequence: missense variant.
Genome position (GRCh38, 1-based): chr7:129,210,536, G>A. VCF-style: chr7-129210536-G-A. GRCh37 (hg19) VCF-style: chr7-128850377-G-A.
Other names: short protein forms R547H.
Identifiers: ClinVar variation 4885008 (VCV004885008.2).
Genomic context (GRCh38, chr7:129,210,536, plus strand): 5'-GAACTGGCATCGCCATGAGCACCTGGGTCTGGACCAAGGCCACGCTGCTCATCTGGAGGC[G>A]TACCTGGTGCAGGTGGGCATGGCAGCCAGCCCCTCCTGCCCTGCCCGCCTCACCCTCAGC-3'
Protein context (NP_005622.1, residues 537-557): WTKATLLIWR[Arg547His]TWCRLTGQSD

ClinVar aggregate classification (germline): Uncertain significance (1 of 4 stars; one submission).

gnomAD v4.1: 37 of 1,613,560 alleles (0.0023%); highest among the groups gnomAD compares: Middle Eastern, 0.017%; no homozygotes.

Submission:

Dasa
Classification: Uncertain significance. Last evaluated: 2026-02-20. Review status: criteria provided, single submitter. Criteria: DASA Assertion Criteria. Collection method: clinical testing. Allele origin: germline.
Comment: NM_005631.5(SMO):c.1640G>A (p.Arg547His) is a missense variant that results in the substitution of arginine with histidine. This variant is rare in population databases. Computational prediction algorithms are consistent with a deleterious effect. The currently available literature and clinical evidence are not sufficient to establish a definitive association between this variant and the reported condition. Therefore, this variant is classified as a variant of uncertain significance.